The following is an entry in ClinVar:

ClinVar aggregate classification (germline): Benign. Review status: criteria provided, multiple submitters, no conflicts (2 of 4 stars). 4 submissions from 4 submitters: Benign (4). Last evaluated 2026-05-08.

Conditions:
3M syndrome 2. Also called: THREE M SYNDROME 2; 3-M Syndrome, OBSL1-Related. Identifiers: Orphanet 2616, MedGen C2752041, MONDO:0013039, OMIM 612921.

Allele frequency attached by ClinVar (database versions not stated): 1000 Genomes Project 30x 0.11743; TOPMed 0.13088; ESP Exome Variant Server 0.12539; 1000 Genomes Project 0.11701.

Submissions (4):

Women's Health and Genetics/Laboratory Corporation of America, LabCorp
Classification: Benign. Last evaluated: 2026-05-08. Review status: criteria provided, single submitter. Criteria: LabCorp Variant Classification Summary - May 2015. Collection method: clinical testing. Allele origin: germline.

Labcorp Genetics (formerly Invitae), Labcorp
Classification: Benign. Last evaluated: 2026-02-04. Review status: criteria provided, single submitter. Criteria: Invitae Variant Classification Sherloc (09022015). Collection method: clinical testing. Allele origin: germline.

Illumina Laboratory Services, Illumina
Classification: Benign for 3M syndrome 2. Last evaluated: 2018-01-12. Review status: criteria provided, single submitter. Criteria: ICSL Variant Classification Criteria 13 December 2019. Collection method: clinical testing. Allele origin: germline.
Comment: This variant was observed in the ICSL laboratory as part of a predisposition screen in an ostensibly healthy population. It had not been previously curated by ICSL or reported in the Human Gene Mutation Database (HGMD: prior to June 1st, 2018), and was therefore a candidate for classification through an automated scoring system. Utilizing variant allele frequency, disease prevalence and penetrance estimates, and inheritance mode, an automated score was calculated to assess if this variant is too frequent to cause the disease. Based on the score and internal cut-off values, a variant classified as benign is not then subjected to further curation. The score for this variant resulted in a classification of benign for this disease.

Breakthrough Genomics
Classification: Benign. Review status: criteria provided, single submitter. Criteria: ACMG Guidelines, 2015. Collection method: not provided. Allele origin: germline. Inheritance: Autosomal recessive inheritance. Affected: yes.

NM_015311.3(OBSL1):c.4067-11G>T

Gene: OBSL1 (obscurin like cytoskeletal adaptor 1; minus strand). Cytogenetic location: 2q35.
Variant type: single nucleotide variant.
Coding change: c.4067-11G>T on transcript NM_015311.3 (MANE Select); 11 bases into the intron before coding-DNA position 4067, G replaced by T.
Molecular consequence: intron variant.
Genome position (GRCh38, 1-based): chr2:219,556,734, C>A on the plus strand (G>T on the coding strand, the complement: OBSL1 is on the minus strand). VCF-style: chr2-219556734-C-A. GRCh37 (hg19) VCF-style: chr2-220421456-C-A.
Other names: c.4067-11G>T (NM_001173431.2).
Identifiers: ClinVar variation 334484 (VCV000334484.14), dbSNP rs1983211, ClinGen allele CA2130671.